The following is an entry in ClinVar:

GRCh37/hg19 Xp21.1(chrX:31757066-32131812)x0

Gene: DMD (dystrophin; minus strand). Cytogenetic location: Xp21.1.
Variant type: copy number loss.
Change: copy number 0 of chrX:31,757,066-32,131,812 (374.7 kb, GRCh37 coordinates, 1-based), cytogenetic band Xp21.1.
Identifiers: ClinVar variation 1339961 (VCV001339961.1).

ClinVar aggregate classification (germline): Pathogenic (0 of 4 stars; one submission).

Submission:

Quest Diagnostics Nichols Institute San Juan Capistrano
Classification: Pathogenic. Last evaluated: 2020-08-07. Review status: no assertion criteria provided. Collection method: clinical testing. Allele origin: germline.
Comment: The Xp21.1 deletion interval involves exons 45-51 of the DMD (dystrophin) gene (NM_004006.2) (OMIM 300377) based on this microarray resolution. Dystrophinopathies including Becker Muscular Dystrophy (BMD) (OMIM 300376), Duchenne Muscular Dystrophy (DMD) (OMIM 310200), and DMD-Associated Dilated Cardiomyopathy (OMIM 302045) are X-linked recessive disorders caused by entire or intragenic DMD deletions and duplications as well as sequence variants, primarily affecting the isoform expressed in the skeletal muscles. Age of onset and severity of progressive muscular weakness depend on the mutation characteristics (i.e., out- or in-frame in the case of exonic deletions or duplications). Manifesting carriers may demonstrate variable degrees of symptoms (mild, moderate, or severe muscular dystrophy) depending, in part, on patterns of X-chromosome inactivation. Carrier females might be at risk for dilated cardiomyopathy (DCM) (Darras BT et al., GeneReviews [Internet].